The following is an entry in ClinVar:

NM_001379500.1(COL18A1):c.107-12129C>T

Gene: COL18A1 (collagen type XVIII alpha 1 chain; plus strand). Cytogenetic location: 21q22.3.
Variant type: single nucleotide variant.
Coding change: c.107-12129C>T on transcript NM_001379500.1 (MANE Select); 12129 bases into the intron before coding-DNA position 107, C replaced by T.
Molecular consequence: intron variant. On other transcripts: missense variant (2).
Genome position (GRCh38, 1-based): chr21:45,456,113, C>T. VCF-style: chr21-45456113-C-T. GRCh37 (hg19) VCF-style: chr21-46876027-C-T.
Other names: c.583C>T, p.Pro195Ser (NM_030582.4, NM_130444.3); short protein forms P195S.
Identifiers: ClinVar variation 1525229 (VCV001525229.3), dbSNP rs746995849, ClinGen allele CA10065519.
Genomic context (GRCh38, chr21:45,456,113, plus strand): 5'-CCTAGCTCTCCGGGCGCCCACACAACCGAGGCTGGCACCTTGCCTGCACCCACCCCATCG[C>T]CTCCCTCCCTGGGCAGGCCCTGGGCACCACTCACGGGGCCCTCAGTGCCACCACCATCTT-3'

ClinVar aggregate classification (germline): Uncertain significance (1 of 4 stars; one submission).

Allele frequency attached by ClinVar (database versions not stated): ExAC 0.00001; gnomAD exomes 0.00002 and 0.00003; TOPMed 0.00002.
gnomAD v4.1: 41 of 1,587,620 alleles (0.0026%); highest among the groups gnomAD compares: Non-Finnish European, 0.0031%; no homozygotes.

Submission:

Labcorp Genetics (formerly Invitae), Labcorp
Classification: Uncertain significance. Last evaluated: 2022-07-24. Review status: criteria provided, single submitter. Criteria: Invitae Variant Classification Sherloc (09022015). Collection method: clinical testing. Allele origin: germline.
Comment: The COL18A1 gene has multiple clinically relevant transcripts. This variant occurs in alternate transcript NM_030582.4, and corresponds to NM_130445.2:c.107-12129C>T in the primary transcript. This sequence change replaces proline, which is neutral and non-polar, with serine, which is neutral and polar, at codon 195 of the COL18A1 protein (p.Pro195Ser). This variant is present in population databases (rs746995849, gnomAD 0.003%). This variant has not been reported in the literature in individuals affected with COL18A1-related conditions. ClinVar contains an entry for this variant (Variation ID: 1525229). Experimental studies and prediction algorithms are not available or were not evaluated, and the functional significance of this variant is currently unknown. In summary, the available evidence is currently insufficient to determine the role of this variant in disease. Therefore, it has been classified as a Variant of Uncertain Significance.